The following is an entry in ClinVar:

NM_147127.5(EVC2):c.264C>A (p.Cys88Ter)

Gene: EVC2 (EvC ciliary complex subunit 2; minus strand). Cytogenetic location: 4p16.2.
Variant type: single nucleotide variant.
Coding change: c.264C>A on transcript NM_147127.5 (MANE Select); coding-DNA position 264, C replaced by A.
Protein change: p.Cys88Ter; replaces cysteine 88 with a stop codon.
Molecular consequence: nonsense.
Genome position (GRCh38, 1-based): chr4:5,697,612, G>T on the plus strand (C>A on the coding strand, the complement: EVC2 is on the minus strand). VCF-style: chr4-5697612-G-T. GRCh37 (hg19) VCF-style: chr4-5699339-G-T.
Other names: c.24C>A, p.Cys8Ter (NM_001166136.2); short protein forms C88*, C8*.
Identifiers: ClinVar variation 373035 (VCV000373035.10), dbSNP rs965707319, ClinGen allele CA16042489.

ClinVar aggregate classification (germline): Pathogenic/Likely pathogenic. Review status: criteria provided, multiple submitters, no conflicts (2 of 4 stars). 4 submissions from 4 submitters: Pathogenic (1); Likely pathogenic (2). 1 of the submissions does not count toward it. Last evaluated 2026-01-28.

Conditions:
Ellis-van Creveld syndrome (EVC). Also called: Chondroectodermal dysplasia; MESOECTODERMAL DYSPLASIA; EVC-Related Ellis-van Creveld Syndrome; EVC2-Related Ellis-van Creveld Syndrome. Identifiers: Orphanet 289, MedGen C0013903, MONDO:0009162, OMIM 225500.
Curry-Hall syndrome (WAD). Also called: WEYERS ACRODENTAL DYSOSTOSIS. Identifiers: Orphanet 952, MedGen C0457013, MONDO:0008673, OMIM 193530.

Allele frequency attached by ClinVar (database versions not stated): gnomAD exomes below 0.00001; gnomAD 0.00003; TOPMed 0.00005.
gnomAD v4.1: 12 of 1,614,036 alleles (0.00074%); highest among the groups gnomAD compares: African/African-American, 0.013%; no homozygotes.

Submissions (4):

Labcorp Genetics (formerly Invitae), Labcorp
Classification: Pathogenic for Curry-Hall syndrome; Ellis-van Creveld syndrome. Last evaluated: 2026-01-28. Review status: criteria provided, single submitter. Criteria: Invitae Variant Classification Sherloc (09022015). Collection method: clinical testing. Allele origin: germline.
Comment: This sequence change creates a premature translational stop signal (p.Cys88*) in the EVC2 gene. It is expected to result in an absent or disrupted protein product. Loss-of-function variants in EVC2 are known to be pathogenic (PMID: 17024374, 19810119, 19876929). This variant is present in population databases (no rsID available, gnomAD 0.008%). This variant has not been reported in the literature in individuals affected with EVC2-related conditions. ClinVar contains an entry for this variant (Variation ID: 373035). For these reasons, this variant has been classified as Pathogenic.

Fulgent Genetics
Classification: Likely pathogenic for Curry-Hall syndrome; Ellis-van Creveld syndrome. Last evaluated: 2024-01-29. Review status: criteria provided, single submitter. Criteria: ACMG Guidelines, 2015. Collection method: clinical testing. Allele origin: germline.

GeneDx
Classification: Likely pathogenic. Last evaluated: 2016-10-06. Review status: criteria provided, single submitter. Criteria: GeneDx Variant Classification (06012015). Collection method: clinical testing. Allele origin: germline. Affected: yes.
Comment: The novel C88X variant has not been published as a pathogenic variant, nor has it been reported as a benign variant to our knowledge. The C88X nonsense variant in the EVC2 gene is predicted to cause loss of normal protein function either through protein truncation or nonsense-mediated mRNA decay. The C88X variant was not observed in approximately 6500 individuals of European and African American ancestry in the NHLBI Exome Sequencing Project, indicating it is not a common benign variant in these populations. Multiple nonsense variants (Q159X, W215X, Q249X) have been reported in the Human Gene Mutation Database in association with Ellis-Van Creveld syndrome (Stenson et al., 2014).

Counsyl
Classification: Likely pathogenic for Ellis-van Creveld syndrome. Last evaluated: 2017-11-08. Review status: no assertion criteria provided. Collection method: clinical testing. Allele origin: unknown. Not counted in ClinVar's aggregate classification.

Literature cited by the submitters: PubMed 17024374 (cited by Labcorp Genetics (formerly Invitae), Labcorp); PubMed 19810119 (cited by Labcorp Genetics (formerly Invitae), Labcorp); PubMed 19876929 (cited by Labcorp Genetics (formerly Invitae), Labcorp).